The following is an entry in ClinVar:

ClinVar aggregate classification (germline): Uncertain significance. Review status: criteria provided, multiple submitters, no conflicts (2 of 4 stars). 2 submissions from 2 submitters: Uncertain significance (2). Last evaluated 2022-07-10.

Conditions:
Distal hereditary motor neuropathy type 2. Identifiers: Orphanet 139525, MedGen C3711384, MeSH C580044, MONDO:0015352.

Allele frequency attached by ClinVar (database versions not stated): gnomAD exomes 0.00002 and 0.00003; gnomAD 0.00002 and 0.00003; TOPMed 0.00002; ExAC 0.00002.
gnomAD v4.1: 32 of 1,613,016 alleles (0.002%); highest among the groups gnomAD compares: African/African-American, 0.0027%; no homozygotes.

Submissions (2):

Labcorp Genetics (formerly Invitae), Labcorp
Classification: Uncertain significance for Distal hereditary motor neuropathy type 2. Last evaluated: 2022-07-10. Review status: criteria provided, single submitter. Criteria: Invitae Variant Classification Sherloc (09022015). Collection method: clinical testing. Allele origin: germline.
Comment: This sequence change replaces arginine, which is basic and polar, with histidine, which is basic and polar, at codon 169 of the FBXO38 protein (p.Arg169His). In summary, the available evidence is currently insufficient to determine the role of this variant in disease. Therefore, it has been classified as a Variant of Uncertain Significance. Algorithms developed to predict the effect of missense changes on protein structure and function are either unavailable or do not agree on the potential impact of this missense change (SIFT: "Deleterious"; PolyPhen-2: "Probably Damaging"; Align-GVGD: "Class C0"). ClinVar contains an entry for this variant (Variation ID: 842631). This variant has not been reported in the literature in individuals affected with FBXO38-related conditions. This variant is present in population databases (rs771708027, gnomAD 0.006%).

Ambry Genetics
Classification: Uncertain significance. Last evaluated: 2021-02-11. Review status: criteria provided, single submitter. Criteria: Ambry Variant Classification Scheme 2023. Collection method: clinical testing. Allele origin: germline.
Comment: The p.R169H variant (also known as c.506G>A), located in coding exon 4 of the FBXO38 gene, results from a G to A substitution at nucleotide position 506. The arginine at codon 169 is replaced by histidine, an amino acid with highly similar properties. This amino acid position is highly conserved in available vertebrate species. In addition, the in silico prediction for this alteration is inconclusive. Since supporting evidence is limited at this time, the clinical significance of this alteration remains unclear.

NM_205836.3(FBXO38):c.506G>A (p.Arg169His)

Gene: FBXO38 (F-box protein 38; plus strand). Cytogenetic location: 5q32.
Variant type: single nucleotide variant.
Coding change: c.506G>A on transcript NM_205836.3 (MANE Select); coding-DNA position 506, G replaced by A.
Protein change: p.Arg169His; replaces arginine 169 with histidine.
Molecular consequence: missense variant.
Genome position (GRCh38, 1-based): chr5:148,402,427, G>A. VCF-style: chr5-148402427-G-A. GRCh37 (hg19) VCF-style: chr5-147781990-G-A.
Other names: c.506G>A, p.Arg169His (NM_001271723.2, NM_030793.5); short protein forms R169H.
Identifiers: ClinVar variation 842631 (VCV000842631.11), dbSNP rs771708027, ClinGen allele CA3497047.